The following is an entry in ClinVar:

NM_147127.5(EVC2):c.3141G>T (p.Trp1047Cys)

Gene: EVC2 (EvC ciliary complex subunit 2; minus strand). Cytogenetic location: 4p16.2.
Variant type: single nucleotide variant.
Coding change: c.3141G>T on transcript NM_147127.5 (MANE Select); coding-DNA position 3141, G replaced by T.
Protein change: p.Trp1047Cys; replaces tryptophan 1047 with cysteine.
Molecular consequence: missense variant.
Genome position (GRCh38, 1-based): chr4:5,576,371, C>A on the plus strand (G>T on the coding strand, the complement: EVC2 is on the minus strand). VCF-style: chr4-5576371-C-A. GRCh37 (hg19) VCF-style: chr4-5578098-C-A.
Other names: c.2901G>T, p.Trp967Cys (NM_001166136.2); short protein forms W1047C, W967C.
Identifiers: ClinVar variation 2014809 (VCV002014809.4), dbSNP rs886037764, ClinGen allele CA356152580.

ClinVar aggregate classification (germline): Uncertain significance (1 of 4 stars; one submission).

Conditions:
Ellis-van Creveld syndrome (EVC). Also called: EVC-Related Ellis-van Creveld Syndrome; EVC2-Related Ellis-van Creveld Syndrome; MESOECTODERMAL DYSPLASIA; Chondroectodermal dysplasia. Identifiers: Orphanet 289, MedGen C0013903, MONDO:0009162, OMIM 225500.
Curry-Hall syndrome (WAD). Also called: WEYERS ACRODENTAL DYSOSTOSIS. Identifiers: Orphanet 952, MedGen C0457013, MONDO:0008673, OMIM 193530.

Allele frequency attached by ClinVar (database versions not stated): TOPMed below 0.00001.
gnomAD v4.1: 3 of 1,614,166 alleles (0.00019%); highest among the groups gnomAD compares: African/African-American, 0.004%; no homozygotes.

Submission:

Labcorp Genetics (formerly Invitae), Labcorp
Classification: Uncertain significance for Curry-Hall syndrome; Ellis-van Creveld syndrome. Last evaluated: 2025-01-06. Review status: criteria provided, single submitter. Criteria: Invitae Variant Classification Sherloc (09022015). Collection method: clinical testing. Allele origin: germline.
Comment: This sequence change replaces tryptophan, which is neutral and slightly polar, with cysteine, which is neutral and slightly polar, at codon 1047 of the EVC2 protein (p.Trp1047Cys). This variant is present in population databases (no rsID available, gnomAD 0.007%). This variant has not been reported in the literature in individuals affected with EVC2-related conditions. ClinVar contains an entry for this variant (Variation ID: 2014809). An algorithm developed to predict the effect of missense changes on protein structure and function (PolyPhen-2) suggests that this variant is likely to be disruptive. In summary, the available evidence is currently insufficient to determine the role of this variant in disease. Therefore, it has been classified as a Variant of Uncertain Significance.